The following is an entry in ClinVar:

NM_004656.4(BAP1):c.38-7del

Gene: BAP1 (BRCA1 associated deubiquitinase 1; minus strand). Cytogenetic location: 3p21.1.
Variant type: Deletion.
Coding change: c.38-7del on transcript NM_004656.4 (MANE Select); 7 bases into the intron before coding-DNA position 38, one base deleted (C; older notation c.38-7delC).
Molecular consequence: intron variant.
Genome position (GRCh38, 1-based): chr3:52,409,750, G deleted on the plus strand (C on the coding strand, the reverse complement: BAP1 is on the minus strand); the first of 4 consecutive G bases (chr3:52,409,750-52,409,753); deleting any one gives the same sequence. VCF-style (leftmost placement, unchanged base first): chr3-52409749-TG-T. GRCh37 (hg19) VCF-style: chr3-52443765-TG-T.
Other names: c.38-7delC (NM_004656.3).
Identifiers: ClinVar variation 472699 (VCV000472699.15), dbSNP rs775275930, ClinGen allele CA2437235.

ClinVar aggregate classification (germline): Conflicting classifications of pathogenicity. Review status: criteria provided, conflicting classifications (1 of 4 stars). 5 submissions from 5 submitters: Uncertain significance (1); Likely benign (4). Last evaluated 2025-04-11.

Conditions:
Hereditary cancer-predisposing syndrome. Also called: Hereditary neoplastic syndrome; Neoplastic Syndromes, Hereditary; Hereditary Cancer Syndrome; Tumor predisposition. Identifiers: Orphanet 140162, MedGen C0027672, MeSH D009386, MONDO:0015356.
BAP1-related tumor predisposition syndrome (TPDS1). Also called: COMMON Syndrome; BAP1 tumor predisposition syndrome; TUMOR PREDISPOSITION SYNDROME 1; Tumor susceptibility linked to germline BAP1 mutations. Identifiers: Orphanet 289539, MedGen C3280492, MONDO:0013692, OMIM 614327.

Submissions (5):

Labcorp Genetics (formerly Invitae), Labcorp
Classification: Likely benign for BAP1-related tumor predisposition syndrome. Last evaluated: 2025-04-11. Review status: criteria provided, single submitter. Criteria: Invitae Variant Classification Sherloc (09022015). Collection method: clinical testing. Allele origin: germline.

Quest Diagnostics Nichols Institute San Juan Capistrano
Classification: Uncertain significance. Last evaluated: 2025-03-05. Review status: criteria provided, single submitter. Criteria: Quest Diagnostics criteria. Collection method: clinical testing. Allele origin: unknown.
Comment: The BAP1 c.38-7del variant has not been reported in individuals with BAP1-related conditions in the published literature. The frequency of this variant in the general population (Genome Aggregation Database) is uninformative in the assessment of its pathogenicity. Analysis of this variant using software algorithms for the prediction of the effect of nucleotide changes on splicing yielded predictions that this variant does not affect BAP1 mRNA splicing. Based on the available information, we are unable to determine the clinical significance of this variant.

Myriad Genetics, Inc.
Classification: Likely benign for BAP1-related tumor predisposition syndrome. Last evaluated: 2024-07-11. Review status: criteria provided, single submitter. Criteria: Myriad Autosomal Dominant, Autosomal Recessive and X-Linked Classification Criteria (2023). Collection method: clinical testing. Allele origin: unknown.
Comment: This variant is considered likely benign. This variant is intronic and is not expected to impact mRNA splicing.

Blueprint Genetics
Classification: Likely benign. Last evaluated: 2024-02-16. Review status: criteria provided, single submitter. Criteria: ACMG Guidelines, 2015. Collection method: clinical testing. Allele origin: germline.

Color Diagnostics, LLC DBA Color Health
Classification: Likely benign for Hereditary cancer-predisposing syndrome. Last evaluated: 2017-04-04. Review status: criteria provided, single submitter. Criteria: ACMG Guidelines, 2015. Collection method: clinical testing. Allele origin: germline.